The following is an entry in ClinVar:

ClinVar aggregate classification (germline): Uncertain significance (1 of 4 stars; one submission).

Conditions:
Wilms tumor 1 (WT1). Also called: Wilms tumor, somatic. Identifiers: Orphanet 654, MedGen CN033288, MONDO:0008679, OMIM 194070.

Submission:

Labcorp Genetics (formerly Invitae), Labcorp
Classification: Uncertain significance for Wilms tumor 1. Last evaluated: 2022-12-08. Review status: criteria provided, single submitter. Criteria: Invitae Variant Classification Sherloc (09022015). Collection method: clinical testing. Allele origin: germline.
Comment: In summary, the available evidence is currently insufficient to determine the role of this variant in disease. Therefore, it has been classified as a Variant of Uncertain Significance. Advanced modeling of protein sequence and biophysical properties (such as structural, functional, and spatial information, amino acid conservation, physicochemical variation, residue mobility, and thermodynamic stability) performed at Invitae indicates that this missense variant is not expected to disrupt GPC3 protein function. ClinVar contains an entry for this variant (Variation ID: 1016562). This variant has not been reported in the literature in individuals affected with GPC3-related conditions. This variant is not present in population databases (gnomAD no frequency). This sequence change replaces glutamine, which is neutral and polar, with histidine, which is basic and polar, at codon 25 of the GPC3 protein (p.Gln25His).

NM_004484.4(GPC3):c.75G>T (p.Gln25His)

Gene: GPC3 (glypican 3; minus strand). Cytogenetic location: Xq26.2.
Variant type: single nucleotide variant.
Coding change: c.75G>T on transcript NM_004484.4 (MANE Select); coding-DNA position 75, G replaced by T.
Protein change: p.Gln25His; replaces glutamine 25 with histidine.
Molecular consequence: missense variant.
Genome position (GRCh38, 1-based): chrX:133,985,375, C>A on the plus strand (G>T on the coding strand, the complement: GPC3 is on the minus strand). VCF-style: chrX-133985375-C-A. GRCh37 (hg19) VCF-style: chrX-133119402-C-A.
Other names: c.75G>T, p.Gln25His (NM_001164617.2, NM_001164618.2, NM_001164619.2); short protein forms Q25H.
Identifiers: ClinVar variation 1016562 (VCV001016562.9), dbSNP rs2076563500, ClinGen allele CA414707091.